The following is an entry in ClinVar:

ClinVar aggregate classification (germline): Uncertain significance (1 of 4 stars; one submission).

Allele frequency attached by ClinVar (database versions not stated): TOPMed 0.00001.
gnomAD v4.1: 18 of 1,614,208 alleles (0.0011%); highest among the groups gnomAD compares: South Asian, 0.0022%; no homozygotes.

Submission:

Laboratory for Molecular Medicine, Mass General Brigham Personalized Medicine
Classification: Uncertain significance. Last evaluated: 2010-09-03. Review status: criteria provided, single submitter. Criteria: LMM Criteria. Collection method: clinical testing. Allele origin: germline. Observed: 1 variant allele.
Comment: Variant classified as Uncertain Significance - Favor Benign. The Arg91Gln varian t in TMPRSS3 has not been reported in the literature nor previously identified b y our laboratory. This residue is conserved across species; however, computation al analyses (PolyPhen, SIFT, AlignGVGD) provide inconsistent predictions regardi ng the impact to the protein though this information is not very predictive of p athogenicity. In summary, the clinical significance of this variant cannot be de termined at this time.

NM_001256317.3(TMPRSS3):c.272G>A (p.Arg91Gln)

Gene: TMPRSS3 (transmembrane serine protease 3; minus strand). Cytogenetic location: 21q22.3.
Variant type: single nucleotide variant.
Coding change: c.272G>A on transcript NM_001256317.3 (MANE Select); coding-DNA position 272, G replaced by A.
Protein change: p.Arg91Gln; replaces arginine 91 with glutamine.
Molecular consequence: missense variant. On other transcripts: 5 prime UTR variant (1).
Genome position (GRCh38, 1-based): chr21:42,388,979, C>T on the plus strand (G>A on the coding strand, the complement: TMPRSS3 is on the minus strand). VCF-style: chr21-42388979-C-T. GRCh37 (hg19) VCF-style: chr21-43809088-C-T.
Other names: c.272G>A, p.Arg91Gln (NM_024022.4, NM_032405.2); c.-110G>A (NM_032404.3); short protein forms R91Q.
Identifiers: ClinVar variation 46108 (VCV000046108.5), dbSNP rs397517373, ClinGen allele CA137698.